The following is an entry in ClinVar:

NM_001018115.3(FANCD2):c.1766+4C>G

Genes: FANCD2 (FA complementation group D2; plus strand), LOC107303338 (3p25 FANCD2 Alu-mediated recombination region; plus strand). Cytogenetic location: 3p25.3.
Variant type: single nucleotide variant.
Coding change: c.1766+4C>G on transcript NM_001018115.3 (MANE Select); 4 bases into the intron after coding-DNA position 1766, C replaced by G.
Molecular consequence: intron variant.
Genome position (GRCh38, 1-based): chr3:10,060,407, C>G. VCF-style: chr3-10060407-C-G. GRCh37 (hg19) VCF-style: chr3-10102091-C-G.
Other names: c.1766+4C>G (NM_001319984.2, NM_033084.6, NM_001374254.1); c.1655+4C>G (NM_001374253.1).
Identifiers: ClinVar variation 2698037 (VCV002698037.3), dbSNP rs779808366, ClinGen allele CA2249778.

ClinVar aggregate classification (germline): Uncertain significance (1 of 4 stars; one submission).

Conditions:
Fanconi anemia (FA). Also called: Fanconi's anemia. Identifiers: Orphanet 84, MedGen C0015625, MeSH D005199, MONDO:0019391.

gnomAD v4.1: 4 of 1,606,790 alleles (0.00025%); highest among the groups gnomAD compares: Non-Finnish European, 0.00034%; no homozygotes.

Submission:

Labcorp Genetics (formerly Invitae), Labcorp
Classification: Uncertain significance for Fanconi anemia. Last evaluated: 2023-12-26. Review status: criteria provided, single submitter. Criteria: Invitae Variant Classification Sherloc (09022015). Collection method: clinical testing. Allele origin: germline.
Comment: This sequence change falls in intron 19 of the FANCD2 gene. It does not directly change the encoded amino acid sequence of the FANCD2 protein. It affects a nucleotide within the consensus splice site. This variant is present in population databases (rs779808366, gnomAD 0.002%). This variant has not been reported in the literature in individuals affected with FANCD2-related conditions. Variants that disrupt the consensus splice site are a relatively common cause of aberrant splicing (PMID: 17576681, 9536098). Algorithms developed to predict the effect of sequence changes on RNA splicing suggest that this variant is not likely to affect RNA splicing. In summary, the available evidence is currently insufficient to determine the role of this variant in disease. Therefore, it has been classified as a Variant of Uncertain Significance.

Literature cited by the submitters: PubMed 17576681; PubMed 9536098.